The following is an entry in ClinVar:

NM_005219.5(DIAPH1):c.3552G>A (p.Glu1184=)

Gene: DIAPH1 (diaphanous related formin 1; minus strand). Cytogenetic location: 5q31.3.
Variant type: single nucleotide variant.
Coding change: c.3552G>A on transcript NM_005219.5 (MANE Select); coding-DNA position 3552, G replaced by A.
Protein change: p.Glu1184=; no amino-acid change (glutamic acid 1184 retained).
Molecular consequence: synonymous variant.
Genome position (GRCh38, 1-based): chr5:141,526,060, C>T on the plus strand (G>A on the coding strand, the complement: DIAPH1 is on the minus strand). VCF-style: chr5-141526060-C-T. GRCh37 (hg19) VCF-style: chr5-140905627-C-T.
Other names: c.3525G>A, p.Glu1175= (NM_001079812.3); c.3552G>A, p.Glu1184= (NM_001314007.2); c.3552G>A (NM_005219.4).
Identifiers: ClinVar variation 1096112 (VCV001096112.9), dbSNP rs1455848656, ClinGen allele CA447043029.

ClinVar aggregate classification (germline): Conflicting classifications of pathogenicity. Review status: criteria provided, conflicting classifications (1 of 4 stars). 2 submissions from 2 submitters: Uncertain significance (1); Likely benign (1). Last evaluated 2022-11-15.

Conditions:
Progressive microcephaly-seizures-cortical blindness-developmental delay syndrome. Also called: Seizures, cortical blindness, and microcephaly syndrome. Identifiers: Orphanet 477814, MedGen C5567650, MONDO:0014714, OMIM 616632.
Autosomal dominant nonsyndromic hearing loss 1. Also called: DEAFNESS, AUTOSOMAL DOMINANT 1, WITH OR WITHOUT THROMBOCYTOPENIA; KONIGSMARK SYNDROME. Identifiers: Orphanet 90635, MedGen C1852282, MONDO:0007424, OMIM 124900.

Allele frequency attached by ClinVar (database versions not stated): TOPMed below 0.00001; gnomAD 0.00001; gnomAD exomes 0.00001.
gnomAD v4.1: 10 of 1,613,948 alleles (0.00062%); highest among the groups gnomAD compares: Non-Finnish European, 0.00059%; no homozygotes.

Submissions (2):

GeneDx
Classification: Uncertain significance. Last evaluated: 2022-11-15. Review status: criteria provided, single submitter. Criteria: GeneDx Variant Classification Process June 2021. Collection method: clinical testing. Allele origin: germline. Affected: yes.
Comment: In silico analysis supports that this variant does not alter splicing; Has not been previously published as pathogenic or benign to our knowledge

Labcorp Genetics (formerly Invitae), Labcorp
Classification: Likely benign for Progressive microcephaly-seizures-cortical blindness-developmental delay syndrome; Autosomal dominant nonsyndromic hearing loss 1. Last evaluated: 2019-09-26. Review status: criteria provided, single submitter. Criteria: Invitae Variant Classification Sherloc (09022015). Collection method: clinical testing. Allele origin: germline.